The following is an entry in ClinVar:

NM_002691.4(POLD1):c.1148C>T (p.Thr383Ile)

Gene: POLD1 (DNA polymerase delta 1, catalytic subunit; plus strand). Cytogenetic location: 19q13.33.
Variant type: single nucleotide variant.
Coding change: c.1148C>T on transcript NM_002691.4 (MANE Select); coding-DNA position 1148, C replaced by T.
Protein change: p.Thr383Ile; replaces threonine 383 with isoleucine.
Molecular consequence: missense variant. On other transcripts: non-coding transcript variant (1).
Genome position (GRCh38, 1-based): chr19:50,403,503, C>T. VCF-style: chr19-50403503-C-T. GRCh37 (hg19) VCF-style: chr19-50906760-C-T.
Other names: p.Thr383Ile; c.1148C>T, p.Thr383Ile (NM_001256849.1, NM_001308632.1); short protein forms T383I.
Identifiers: ClinVar variation 484390 (VCV000484390.22), dbSNP rs201654210, ClinGen allele CA9596052.

ClinVar aggregate classification (germline): Conflicting classifications of pathogenicity. Review status: criteria provided, conflicting classifications (1 of 4 stars). 5 submissions from 5 submitters: Uncertain significance (3); Benign (1); Likely benign (1). Last evaluated 2026-01-22.

Conditions:
Hereditary cancer-predisposing syndrome. Also called: Tumor predisposition; Hereditary Cancer Syndrome; Hereditary neoplastic syndrome; Neoplastic Syndromes, Hereditary. Identifiers: Orphanet 140162, MedGen C0027672, MeSH D009386, MONDO:0015356.
POLD1-related polyposis and colorectal cancer syndrome (CRCS10). Also called: Colorectal cancer 10; COLORECTAL CANCER, SUSCEPTIBILITY TO, ON CHROMOSOME 19q; Colorectal cancer, susceptibility to, 10. Identifiers: Orphanet 220460, MedGen C2675481, MONDO:0012953, OMIM 612591.

Allele frequency attached by ClinVar (database versions not stated): gnomAD exomes 0.00002 and 0.00006; TOPMed 0.00003; gnomAD 0.00001; ExAC 0.00004; 1000 Genomes Project 0.00020; 1000 Genomes Project 30x 0.00031.
gnomAD v4.1: 15 of 1,613,238 alleles (0.00093%); highest among the groups gnomAD compares: Admixed American, 0.025%; no homozygotes.

Submissions (5):

Labcorp Genetics (formerly Invitae), Labcorp
Classification: Uncertain significance for POLD1-related polyposis and colorectal cancer syndrome. Last evaluated: 2026-01-22. Review status: criteria provided, single submitter. Criteria: Invitae Variant Classification Sherloc (09022015). Collection method: clinical testing. Allele origin: germline.
Comment: This sequence change replaces threonine, which is neutral and polar, with isoleucine, which is neutral and non-polar, at codon 383 of the POLD1 protein (p.Thr383Ile). This variant is present in population databases (rs201654210, gnomAD 0.04%), and has an allele count higher than expected for a pathogenic variant. This variant has not been reported in the literature in individuals affected with POLD1-related conditions. ClinVar contains an entry for this variant (Variation ID: 484390). Invitae Evidence Modeling of protein sequence and biophysical properties (such as structural, functional, and spatial information, amino acid conservation, physicochemical variation, residue mobility, and thermodynamic stability) indicates that this missense variant is not expected to disrupt POLD1 protein function with a negative predictive value of 80%. In summary, the available evidence is currently insufficient to determine the role of this variant in disease. Therefore, it has been classified as a Variant of Uncertain Significance.

Mayo Clinic Laboratories, Mayo Clinic
Classification: Uncertain significance. Last evaluated: 2024-06-10. Review status: criteria provided, single submitter. Criteria: ACMG Guidelines, 2015. Collection method: clinical testing. Allele origin: germline. Observed: 1 variant allele.
Comment: BP4

GeneDx
Classification: Uncertain significance. Last evaluated: 2023-12-18. Review status: criteria provided, single submitter. Criteria: GeneDx Variant Classification Process June 2021. Collection method: clinical testing. Allele origin: germline. Affected: yes.
Comment: In silico analysis supports that this missense variant does not alter protein structure/function; Has not been previously published as pathogenic or benign to our knowledge; This variant is associated with the following publications: (PMID: 20951805)

Ambry Genetics
Classification: Likely benign for Hereditary cancer-predisposing syndrome. Last evaluated: 2023-06-23. Review status: criteria provided, single submitter. Criteria: Ambry Variant Classification Scheme 2023. Collection method: clinical testing. Allele origin: germline.

Institute for Genomic Medicine (IGM) Clinical Laboratory, Nationwide Children's Hospital
Classification: Benign. Last evaluated: 2017-07-25. Review status: criteria provided, single submitter. Criteria: ACMG Guidelines, 2015. Collection method: clinical testing. Allele origin: germline.
Comment: BS1, BS2, BP4; This alteration has an allele frequency that is greater than expected for the associated disease, was seen in a healthy adult where full penetrance of the disorder is expected at an early age, and is predicted to be tolerated by multiple functional prediction tools.